The following is an entry in ClinVar:

ClinVar aggregate classification (germline): Uncertain significance. Review status: criteria provided, multiple submitters, no conflicts (2 of 4 stars). 3 submissions from 3 submitters: Uncertain significance (3). Last evaluated 2025-06-03.

Conditions:
Hereditary spastic paraplegia 7 (SPG7). Also called: SPASTIC PARAPLEGIA 7, AUTOSOMAL RECESSIVE, WITH OR WITHOUT CEREBELLAR ATAXIA; Spastic paraplegia 7; Hereditary spastic paraplegia Paraplegin type; Autosomal recessive spastic paraplegia type 7; SPG7-related neurologic disorder. Identifiers: Orphanet 99013, MedGen C1846564, MONDO:0011803, OMIM 607259.

gnomAD v4.1: 6 of 1,609,642 alleles (0.00037%); highest among the groups gnomAD compares: Non-Finnish European, 0.00051%; no homozygotes.

Submissions (3):

Labcorp Genetics (formerly Invitae), Labcorp
Classification: Uncertain significance for Hereditary spastic paraplegia 7. Last evaluated: 2025-06-03. Review status: criteria provided, single submitter. Criteria: Invitae Variant Classification Sherloc (09022015). Collection method: clinical testing. Allele origin: germline.
Comment: This sequence change replaces lysine, which is basic and polar, with glutamic acid, which is acidic and polar, at codon 716 of the SPG7 protein (p.Lys716Glu). This variant is present in population databases (rs768805935, gnomAD 0.003%). This variant has not been reported in the literature in individuals affected with SPG7-related conditions. ClinVar contains an entry for this variant (Variation ID: 3371675). Invitae Evidence Modeling of protein sequence and biophysical properties (such as structural, functional, and spatial information, amino acid conservation, physicochemical variation, residue mobility, and thermodynamic stability) indicates that this missense variant is not expected to disrupt SPG7 protein function with a negative predictive value of 80%. In summary, the available evidence is currently insufficient to determine the role of this variant in disease. Therefore, it has been classified as a Variant of Uncertain Significance.

GeneDx
Classification: Uncertain significance. Last evaluated: 2024-04-01. Review status: criteria provided, single submitter. Criteria: GeneDx Variant Classification Process June 2021. Collection method: clinical testing. Allele origin: germline. Affected: yes.
Comment: Reported as heterozygous in an individual with hereditary spastic paraplegia who also harbored a variant in the MOCR2 gene (PMID: 33598982); Not observed at significant frequency in large population cohorts (gnomAD); In silico analysis supports that this missense variant does not alter protein structure/function; Located in the Peptidase M41 Domain (PMID: 22571692); This variant is associated with the following publications: (PMID: 33598982, 22571692)

Blueprint Genetics
Classification: Uncertain significance. Last evaluated: 2022-12-29. Review status: criteria provided, single submitter. Criteria: ACMG Guidelines, 2015. Collection method: clinical testing. Allele origin: germline.

NM_003119.4(SPG7):c.2146A>G (p.Lys716Glu)

Gene: SPG7 (SPG7 matrix AAA peptidase subunit, paraplegin; plus strand). Cytogenetic location: 16q24.3.
Variant type: single nucleotide variant.
Coding change: c.2146A>G on transcript NM_003119.4 (MANE Select); coding-DNA position 2146, A replaced by G.
Protein change: p.Lys716Glu; replaces lysine 716 with glutamic acid.
Molecular consequence: missense variant.
Genome position (GRCh38, 1-based): chr16:89,554,528, A>G. VCF-style: chr16-89554528-A-G. GRCh37 (hg19) VCF-style: chr16-89620936-A-G.
Other names: c.2146A>G, p.Lys716Glu (NM_001363850.1); short protein forms K716E.
Identifiers: ClinVar variation 3371675 (VCV003371675.3).